The following is an entry in ClinVar:

ClinVar aggregate classification (germline): Conflicting classifications of pathogenicity. Review status: criteria provided, conflicting classifications (1 of 4 stars). 4 submissions from 4 submitters: Uncertain significance (2); Likely benign (1). 1 of the submissions does not count toward it. Last evaluated 2024-08-07.

Conditions:
MHC class II deficiency. Also called: Bare lymphocyte syndrome 2; BLS, TYPE II. Identifiers: Orphanet 572, MedGen C5447452, MONDO:0008855.

Allele frequency attached by ClinVar (database versions not stated): ExAC 0.00007; TOPMed 0.00009; gnomAD exomes 0.00012 and 0.00005.
gnomAD v4.1: 85 of 1,613,890 alleles (0.0053%); highest among the groups gnomAD compares: Admixed American, 0.005%; no homozygotes.

Submissions (4):

Blueprint Genetics
Classification: Likely benign. Last evaluated: 2024-08-07. Review status: criteria provided, single submitter. Criteria: ACMG Guidelines, 2015. Collection method: clinical testing. Allele origin: germline.

Labcorp Genetics (formerly Invitae), Labcorp
Classification: Uncertain significance for MHC class II deficiency. Last evaluated: 2022-06-29. Review status: criteria provided, single submitter. Criteria: Invitae Variant Classification Sherloc (09022015). Collection method: clinical testing. Allele origin: germline.
Comment: This sequence change affects codon 98 of the CIITA mRNA. It is a 'silent' change, meaning that it does not change the encoded amino acid sequence of the CIITA protein. It affects a nucleotide within the consensus splice site. This variant is present in population databases (rs200299817, gnomAD 0.2%). This variant has not been reported in the literature in individuals affected with CIITA-related conditions. ClinVar contains an entry for this variant (Variation ID: 317678). Variants that disrupt the consensus splice site are a relatively common cause of aberrant splicing (PMID: 17576681, 9536098). Algorithms developed to predict the effect of sequence changes on RNA splicing suggest that this variant may disrupt the consensus splice site. In summary, the available evidence is currently insufficient to determine the role of this variant in disease. Therefore, it has been classified as a Variant of Uncertain Significance.

Illumina Laboratory Services, Illumina
Classification: Uncertain significance for MHC class II deficiency 1. Last evaluated: 2018-01-13. Review status: criteria provided, single submitter. Criteria: ICSL Variant Classification Criteria 13 December 2019. Collection method: clinical testing. Allele origin: germline.

Natera, Inc.
Classification: Uncertain significance for Bare lymphocyte syndrome type II. Last evaluated: 2020-04-24. Review status: no assertion criteria provided. Collection method: clinical testing. Allele origin: germline. Not counted in ClinVar's aggregate classification.

Literature cited by the submitters: PubMed 17576681 (cited by Labcorp Genetics (formerly Invitae), Labcorp); PubMed 9536098 (cited by Labcorp Genetics (formerly Invitae), Labcorp).

NM_000246.4(CIITA):c.294C>T (p.Ile98=)

Gene: CIITA (class II major histocompatibility complex transactivator; plus strand). Cytogenetic location: 16p13.13.
Variant type: single nucleotide variant.
Coding change: c.294C>T on transcript NM_000246.4 (MANE Select); coding-DNA position 294, C replaced by T.
Protein change: p.Ile98=; no amino-acid change (isoleucine 98 retained).
Molecular consequence: synonymous variant. On other transcripts: non-coding transcript variant (1).
Genome position (GRCh38, 1-based): chr16:10,895,763, C>T. VCF-style: chr16-10895763-C-T. GRCh37 (hg19) VCF-style: chr16-10989620-C-T.
Other names: c.294C>T, p.Ile98= (NM_001286402.1, NM_001286403.2, NM_001379330.1 and 3 more transcripts); c.222C>T, p.Ile74= (NM_001379334.1).
Identifiers: ClinVar variation 317678 (VCV000317678.9), dbSNP rs200299817, ClinGen allele CA7899630.
Genomic context (GRCh38, chr16:10,895,763, plus strand): 5'-CAGCAGGCTGTTGTGTGACATGGAAGGTGATGAAGAGACCAGGGAGGCTTATGCCAATAT[C>T]GGTGAGGAAGCACCTGAGCCCAGAAAAGGACAATCAAGGGCAAGAGTTCTTTGCTGCCAC-3'
Protein context (NP_000237.2, residues 88-108): DEETREAYAN[Ile98=]AELDQYVFQD